The following is an entry in ClinVar:

ClinVar aggregate classification (germline): Uncertain significance (1 of 4 stars; one submission).

Allele frequency attached by ClinVar (database versions not stated): gnomAD exomes below 0.00001; TOPMed 0.00001.
gnomAD v4.1: 1 of 1,614,106 alleles (0.000062%); highest among the groups gnomAD compares: Non-Finnish European, 0.000085%; no homozygotes.

Submission:

Ambry Genetics
Classification: Uncertain significance. Last evaluated: 2022-01-02. Review status: criteria provided, single submitter. Criteria: Ambry Variant Classification Scheme 2023. Collection method: clinical testing. Allele origin: germline.
Comment: The p.S687G variant (also known as c.2059A>G), located in coding exon 18 of the RAD54L gene, results from an A to G substitution at nucleotide position 2059. The serine at codon 687 is replaced by glycine, an amino acid with similar properties. This amino acid position is conserved. In addition, this alteration is predicted to be tolerated by in silico analysis. Since supporting evidence is limited at this time, the clinical significance of this alteration remains unclear.

NM_003579.4(RAD54L):c.2059A>G (p.Ser687Gly)

Genes: LRRC41 (leucine rich repeat containing 41; minus strand), RAD54L (RAD54 like; plus strand). Cytogenetic location: 1p34.1.
Variant type: single nucleotide variant.
Coding change: c.2059A>G on transcript NM_003579.4 (MANE Select); coding-DNA position 2059, A replaced by G.
Protein change: p.Ser687Gly; replaces serine 687 with glycine.
Molecular consequence: missense variant. On other transcripts: 3 prime UTR variant (1).
Genome position (GRCh38, 1-based): chr1:46,278,097, A>G. VCF-style: chr1-46278097-A-G. GRCh37 (hg19) VCF-style: chr1-46743769-A-G.
Other names: c.*768T>C (NM_006369.5); c.2059A>G, p.Ser687Gly (NM_001142548.2); c.1519A>G, p.Ser507Gly (NM_001370766.1); short protein forms S507G, S687G.
Identifiers: ClinVar variation 1785173 (VCV001785173.2), dbSNP rs889076775, ClinGen allele CA21900118.